The following is an entry in ClinVar:

NM_001029883.3(PCARE):c.1526C>T (p.Thr509Ile)

Gene: PCARE (photoreceptor cilium actin regulator; minus strand). Cytogenetic location: 2p23.2.
Variant type: single nucleotide variant.
Coding change: c.1526C>T on transcript NM_001029883.3 (MANE Select); coding-DNA position 1526, C replaced by T.
Protein change: p.Thr509Ile; replaces threonine 509 with isoleucine.
Molecular consequence: missense variant.
Genome position (GRCh38, 1-based): chr2:29,072,736, G>A on the plus strand (C>T on the coding strand, the complement: PCARE is on the minus strand). VCF-style: chr2-29072736-G-A. GRCh37 (hg19) VCF-style: chr2-29295602-G-A.
Other names: short protein forms T509I.
Identifiers: ClinVar variation 1372982 (VCV001372982.6), dbSNP rs1239765872, ClinGen allele CA346479471.

ClinVar aggregate classification (germline): Uncertain significance (1 of 4 stars; one submission).

Allele frequency attached by ClinVar (database versions not stated): gnomAD 0.00001; TOPMed 0.00004.
gnomAD v4.1: 3 of 1,613,940 alleles (0.00019%); highest among the groups gnomAD compares: African/African-American, 0.0027%; no homozygotes.

Submission:

Labcorp Genetics (formerly Invitae), Labcorp
Classification: Uncertain significance. Last evaluated: 2022-10-04. Review status: criteria provided, single submitter. Criteria: Invitae Variant Classification Sherloc (09022015). Collection method: clinical testing. Allele origin: germline.
Comment: In summary, the available evidence is currently insufficient to determine the role of this variant in disease. Therefore, it has been classified as a Variant of Uncertain Significance. Algorithms developed to predict the effect of missense changes on protein structure and function (SIFT, PolyPhen-2, Align-GVGD) all suggest that this variant is likely to be tolerated. ClinVar contains an entry for this variant (Variation ID: 1372982). This variant has not been reported in the literature in individuals affected with PCARE-related conditions. This variant is not present in population databases (gnomAD no frequency). This sequence change replaces threonine, which is neutral and polar, with isoleucine, which is neutral and non-polar, at codon 509 of the PCARE protein (p.Thr509Ile).